The following is an entry in ClinVar:

ClinVar aggregate classification (germline): Uncertain significance (1 of 4 stars; one submission).

Conditions:
Beckwith-Wiedemann syndrome (BWS). Also called: Exomphalos macroglossia gigantism syndrome; EMG SYNDROME. Identifiers: Orphanet 116, MedGen C0004903, MONDO:0007534, OMIM 130650.

Submission:

Labcorp Genetics (formerly Invitae), Labcorp
Classification: Uncertain significance for Beckwith-Wiedemann syndrome. Last evaluated: 2024-10-17. Review status: criteria provided, single submitter. Criteria: Invitae Variant Classification Sherloc (09022015). Collection method: clinical testing. Allele origin: germline.
Comment: This sequence change replaces aspartic acid, which is acidic and polar, with glycine, which is neutral and non-polar, at codon 217 of the CDKN1C protein (p.Asp217Gly). This variant is not present in population databases (gnomAD no frequency). This variant has not been reported in the literature in individuals affected with CDKN1C-related conditions. Invitae Evidence Modeling of protein sequence and biophysical properties (such as structural, functional, and spatial information, amino acid conservation, physicochemical variation, residue mobility, and thermodynamic stability) indicates that this missense variant is not expected to disrupt CDKN1C protein function with a negative predictive value of 80%. In summary, the available evidence is currently insufficient to determine the role of this variant in disease. Therefore, it has been classified as a Variant of Uncertain Significance.

NM_001122630.2(CDKN1C):c.617A>G (p.Asp206Gly)

Gene: CDKN1C (cyclin dependent kinase inhibitor 1C; minus strand). Cytogenetic location: 11p15.4.
Variant type: single nucleotide variant.
Coding change: c.617A>G on transcript NM_001122630.2 (MANE Select); coding-DNA position 617, A replaced by G.
Protein change: p.Asp206Gly; replaces aspartic acid 206 with glycine.
Molecular consequence: missense variant. On other transcripts: intron variant (1).
Genome position (GRCh38, 1-based): chr11:2,884,840, T>C on the plus strand (A>G on the coding strand, the complement: CDKN1C is on the minus strand). VCF-style: chr11-2884840-T-C. GRCh37 (hg19) VCF-style: chr11-2906070-T-C.
Other names: c.650A>G, p.Asp217Gly (NM_000076.2, NM_001362474.2); c.617A>G, p.Asp206Gly (NM_001122631.2); c.255+362A>G (NM_001362475.2); short protein forms D206G, D217G.
Identifiers: ClinVar variation 2907987 (VCV002907987.3), dbSNP rs3741342, ClinGen allele CA379146080.